The following is an entry in ClinVar:

ClinVar aggregate classification (germline): Uncertain significance (1 of 4 stars; one submission).

Submission:

Labcorp Genetics (formerly Invitae), Labcorp
Classification: Uncertain significance. Last evaluated: 2025-02-04. Review status: criteria provided, single submitter. Criteria: Invitae Variant Classification Sherloc (09022015). Collection method: clinical testing. Allele origin: germline.
Comment: This sequence change replaces valine, which is neutral and non-polar, with glycine, which is neutral and non-polar, at codon 90 of the GLRX5 protein (p.Val90Gly). This variant is not present in population databases (gnomAD no frequency). This variant has not been reported in the literature in individuals affected with GLRX5-related conditions. An algorithm developed to predict the effect of missense changes on protein structure and function (PolyPhen-2) suggests that this variant is likely to be disruptive. In summary, the available evidence is currently insufficient to determine the role of this variant in disease. Therefore, it has been classified as a Variant of Uncertain Significance.

NM_016417.3(GLRX5):c.269T>G (p.Val90Gly)

Gene: GLRX5 (glutaredoxin 5; plus strand). Cytogenetic location: 14q32.13.
Variant type: single nucleotide variant.
Coding change: c.269T>G on transcript NM_016417.3 (MANE Select); coding-DNA position 269, T replaced by G.
Protein change: p.Val90Gly; replaces valine 90 with glycine.
Molecular consequence: missense variant.
Genome position (GRCh38, 1-based): chr14:95,535,358, T>G. VCF-style: chr14-95535358-T-G. GRCh37 (hg19) VCF-style: chr14-96001695-T-G.
Other names: short protein forms V90G.
Identifiers: ClinVar variation 4712268 (VCV004712268.1).